The following is an entry in ClinVar:

NM_000535.7(PMS2):c.1082G>C (p.Gly361Ala)

Gene: PMS2 (PMS1 homolog 2, mismatch repair system component; minus strand). Cytogenetic location: 7p22.1.
Variant type: single nucleotide variant.
Coding change: c.1082G>C on transcript NM_000535.7 (MANE Select); coding-DNA position 1082, G replaced by C.
Protein change: p.Gly361Ala; replaces glycine 361 with alanine.
Molecular consequence: missense variant. On other transcripts: non-coding transcript variant (1), intron variant (2).
Genome position (GRCh38, 1-based): chr7:5,989,862, C>G on the plus strand (G>C on the coding strand, the complement: PMS2 is on the minus strand). VCF-style: chr7-5989862-C-G. GRCh37 (hg19) VCF-style: chr7-6029493-C-G.
Other names: c.677G>C, p.Gly226Ala (NM_001322003.2, NM_001322004.2, NM_001322005.2 and 1 more transcripts); c.764G>C, p.Gly255Ala (NM_001322007.2, NM_001322008.2); c.149G>C, p.Gly50Ala (NM_001322011.2, NM_001322012.2); c.509G>C, p.Gly170Ala (NM_001322013.2); c.1082G>C, p.Gly361Ala (NM_001322014.2); c.773G>C, p.Gly258Ala (NM_001322015.2); c.583+2111G>C (NM_001322010.2); c.988+2111G>C (NM_001322006.2); short protein forms G226A, G258A, G361A, G170A, G255A, G50A.
Identifiers: ClinVar variation 659748 (VCV000659748.8), dbSNP rs1064793540, ClinGen allele CA366742848.

ClinVar aggregate classification (germline): Uncertain significance (1 of 4 stars; one submission).

Conditions:
Hereditary nonpolyposis colorectal neoplasms. Identifiers: MedGen C0009405, MeSH D003123.

Submission:

Labcorp Genetics (formerly Invitae), Labcorp
Classification: Uncertain significance for Hereditary nonpolyposis colorectal neoplasms. Last evaluated: 2024-04-18. Review status: criteria provided, single submitter. Criteria: Invitae Variant Classification Sherloc (09022015). Collection method: clinical testing. Allele origin: germline.
Comment: This sequence change replaces glycine, which is neutral and non-polar, with alanine, which is neutral and non-polar, at codon 361 of the PMS2 protein (p.Gly361Ala). This variant is not present in population databases (gnomAD no frequency). This variant has not been reported in the literature in individuals affected with PMS2-related conditions. ClinVar contains an entry for this variant (Variation ID: 659748). Advanced modeling of protein sequence and biophysical properties (such as structural, functional, and spatial information, amino acid conservation, physicochemical variation, residue mobility, and thermodynamic stability) performed at Invitae indicates that this missense variant is not expected to disrupt PMS2 protein function with a negative predictive value of 80%. In summary, the available evidence is currently insufficient to determine the role of this variant in disease. Therefore, it has been classified as a Variant of Uncertain Significance.